The following is an entry in ClinVar:

ClinVar aggregate classification (germline): Uncertain significance (1 of 4 stars; one submission).

Conditions:
Familial intrahepatic cholestasis. Identifiers: Orphanet 284385, MedGen CN296401, MONDO:0017290.
Low phospholipid associated cholelithiasis (GBD1). Also called: Gallbladder disease 1; Gallstone cholecystitis. Identifiers: Orphanet 69663, MedGen C2609268, MONDO:0010939, OMIM 600803.

gnomAD v4.1: 1 of 1,614,108 alleles (0.000062%); highest among the groups gnomAD compares: South Asian, 0.0011%; no homozygotes.

Submission:

Genomenon, Inc
Classification: Uncertain significance for Familial intrahepatic cholestasis; Low phospholipid associated cholelithiasis. Last evaluated: 2026-04-14. Review status: criteria provided, single submitter. Criteria: Genomenon Sequence Variant Interpretation Standards - Updated. Collection method: curation. Allele origin: germline. Affected: no.
Comment: ABCB4 p.Ala1004Glu (c.3011C>A) is a missense variant that changes the amino acid at residue 1004 from Alanine to Glutamic acid. This variant has been reported in the published literature (PMID:37208429). It is absent or not present at a significant frequency in gnomAD. In silico models predict that this variant is possibly or probably damaging. In conclusion, we classify ABCB4 p.Ala1004Glu (c.3011C>A) as a variant of uncertain significance.

Literature cited by the submitters: PubMed 37208429.

NM_000443.4(ABCB4):c.3011C>A (p.Ala1004Glu)

Gene: ABCB4 (ATP binding cassette subfamily B member 4; minus strand). Cytogenetic location: 7q21.12.
Variant type: single nucleotide variant.
Coding change: c.3011C>A on transcript NM_000443.4 (MANE Select); coding-DNA position 3011, C replaced by A.
Protein change: p.Ala1004Glu; replaces alanine 1004 with glutamic acid.
Molecular consequence: missense variant.
Genome position (GRCh38, 1-based): chr7:87,409,306, G>T on the plus strand (C>A on the coding strand, the complement: ABCB4 is on the minus strand). VCF-style: chr7-87409306-G-T. GRCh37 (hg19) VCF-style: chr7-87038622-G-T.
Other names: c.3011C>A, p.Ala1004Glu (NM_018849.3); c.2870C>A, p.Ala957Glu (NM_018850.3); short protein forms A1004E, A957E.
Identifiers: ClinVar variation 4846380 (VCV004846380.1).